The following is an entry in ClinVar:

ClinVar aggregate classification (germline): Pathogenic/Likely pathogenic. Review status: criteria provided, multiple submitters, no conflicts (2 of 4 stars). 7 submissions from 7 submitters: Pathogenic (5); Likely pathogenic (1). 1 of the submissions does not count toward it. Last evaluated 2025-10-13.

Conditions:
SPRED1-related disorder. Also called: SPRED1-related condition.
Cardiovascular phenotype. Identifiers: MedGen CN230736.
Male infertility with spermatogenesis disorder. Identifiers: Orphanet 399775, MedGen C5681167, MONDO:0018391.
Legius syndrome. Identifiers: Orphanet 137605, MedGen C1969623, MONDO:0012669, OMIM 611431. Disease mechanism: loss of function.
Neurofibromatosis, type 1 (NF1). Also called: NEUROFIBROMATOSIS, TYPE I, SOMATIC; VON RECKLINGHAUSEN DISEASE; Peripheral type neurofibromatosis; Neurofibromatosis, type I. Identifiers: Orphanet 636, MedGen C0027831, MONDO:0018975, OMIM 162200. Disease mechanism: loss of function.

Allele frequency attached by ClinVar (database versions not stated): gnomAD exomes below 0.00001; TOPMed below 0.00001; gnomAD 0.00001.
gnomAD v4.1: 2 of 1,613,860 alleles (0.00012%); highest among the groups gnomAD compares: African/African-American, 0.0013%; no homozygotes.

Submissions (7):

Labcorp Genetics (formerly Invitae), Labcorp
Classification: Pathogenic for Legius syndrome. Last evaluated: 2025-10-13. Review status: criteria provided, single submitter. Criteria: Invitae Variant Classification Sherloc (09022015). Collection method: clinical testing. Allele origin: germline.
Comment: This sequence change creates a premature translational stop signal (p.Arg325*) in the SPRED1 gene. While this is not anticipated to result in nonsense mediated decay, it is expected to disrupt the last 120 amino acid(s) of the SPRED1 protein. This variant is not present in population databases (gnomAD no frequency). This premature translational stop signal has been observed in individual(s) with Legius syndrome (PMID: 17704776, 25883013; internal data). It has also been observed to segregate with disease in related individuals. ClinVar contains an entry for this variant (Variation ID: 374301). Algorithms developed to predict the effect of variants on gene product structure and function are not available or were not evaluated for this variant. Experimental studies have shown that this premature translational stop signal affects SPRED1 function (PMID: 17704776). This variant disrupts a region of the SPRED1 protein in which other variant(s) (p.Gly385Ilefs*20, p.Arg349Glyfs*11) have been determined to be pathogenic (PMID: 17704776, 21089071, 21649642). This suggests that this is a clinically significant region of the protein, and that variants that disrupt it are likely to be disease-causing. For these reasons, this variant has been classified as Pathogenic.

Victorian Clinical Genetics Services, Murdoch Childrens Research Institute
Classification: Pathogenic for Legius syndrome. Last evaluated: 2025-08-12. Review status: criteria provided, single submitter. Criteria: ACMG Guidelines, 2015. Collection method: clinical testing. Allele origin: germline. Affected: yes.
Comment: This variant is classified as Pathogenic. Evidence in support of pathogenic classification: Variant is predicted to result in a truncated protein (premature termination codon is NOT located at least 54 nucleotides upstream of the final exon-exon junction) with less than 1/3 of the protein sequence affected; Variant is present in gnomAD <0.001 for a dominant condition (v4: 2 heterozygote(s), 0 homozygote(s)); This variant has moderate previous evidence of pathogenicity in unrelated individuals. This variant has been classified as pathogenic by clinical laboratories in ClinVar; Other protein truncating variant(s) comparable to the one identified in this case have very strong previous evidence for pathogenicity (DECIPHER). Additional information: This variant is heterozygous; This gene is associated with autosomal dominant disease; Loss of function is a known mechanism of disease in this gene and is associated with Legius syndrome (MIM#611431); Variants in this gene are known to have variable expressivity (PMID: 20945555).

NHS Central & South Genomic Laboratory Hub
Classification: Likely pathogenic for Neurofibromatosis type 1. Last evaluated: 2025-06-05. Review status: criteria provided, single submitter. Criteria: ACMG Guidelines, 2015. Collection method: clinical testing. Allele origin: germline. Affected: yes.

Blueprint Genetics
Classification: Pathogenic for SPRED1-related disorders. Last evaluated: 2024-06-19. Review status: criteria provided, single submitter. Criteria: ACMG Guidelines, 2015. Collection method: clinical testing. Allele origin: germline. Affected: yes. Observed: 3 variant alleles.

Laan Lab, Human Genetics Research Group, University of Tartu
Classification: Pathogenic for Male infertility with spermatogenesis disorder. Last evaluated: 2023-12-01. Review status: criteria provided, single submitter. Criteria: Gelb et al. (Genet Med. 2018). Collection method: research. Allele origin: germline. Inheritance: Oligogenic inheritance. Affected: yes. Observed: 1 variant allele, 1 heterozygote.

Ambry Genetics
Classification: Pathogenic for Cardiovascular phenotype. Last evaluated: 2017-05-05. Review status: criteria provided, single submitter. Criteria: Ambry Variant Classification Scheme 2023. Collection method: clinical testing. Allele origin: germline.
Comment: The p.R325* pathogenic mutation (also known as c.973C>T), located in coding exon 7 of the SPRED1 gene, results from a C to T substitution at nucleotide position 973. This changes the amino acid from an arginine to a stop codon within coding exon 7. This mutation was originally identified in a patient with neurofibromatosis 1 (NF1)-like phenotype (Brems H et al. Nat. Genet., 2007 Sep;39:1120-6) and subsequently reported in multiple patients with NF1 features (Messiaen L et al. JAMA, 2009 Nov;302:2111-8; Benelli E et al. Ital J Pediatr, 2015 Feb;41:8). In addition, this mutation results in loss of the Sprouty domain, and R325* mutant protein lacked the ability to negatively regulate the Ras-MAPK pathway (Brems H et al. Nat. Genet., 2007 Sep;39:1120-6). This alteration is expected to result in loss of function by premature protein truncation. As such, this alteration is interpreted as a disease-causing mutation.

Baylor Genetics
Classification: Pathogenic for Legius syndrome. Last evaluated: 2015-04-10. Review status: no assertion criteria provided. Collection method: clinical testing. Allele origin: de novo. Inheritance: Autosomal dominant inheritance. Affected: yes. Observed: 1 variant allele, 1 heterozygote. Not counted in ClinVar's aggregate classification.

Literature cited by the submitters: PubMed 17704776 (cited by 3 submitters); PubMed 25883013 (cited by Labcorp Genetics (formerly Invitae), Labcorp and Ambry Genetics); PubMed 21089071 (cited by Labcorp Genetics (formerly Invitae), Labcorp); PubMed 21649642 (cited by Labcorp Genetics (formerly Invitae), Labcorp); PubMed 20945555 (cited by Victorian Clinical Genetics Services, Murdoch Childrens Research Institute); DOI 10.3389/fendo.2024.1312357 (cited by Laan Lab, Human Genetics Research Group, University of Tartu); PubMed 19920235 (cited by Ambry Genetics).

NM_152594.3(SPRED1):c.973C>T (p.Arg325Ter)

Gene: SPRED1 (sprouty related EVH1 domain containing 1; plus strand). Cytogenetic location: 15q14.
Variant type: single nucleotide variant.
Coding change: c.973C>T on transcript NM_152594.3 (MANE Select); coding-DNA position 973, C replaced by T.
Protein change: p.Arg325Ter; replaces arginine 325 with a stop codon.
Molecular consequence: nonsense.
Genome position (GRCh38, 1-based): chr15:38,351,302, C>T. VCF-style: chr15-38351302-C-T. GRCh37 (hg19) VCF-style: chr15-38643503-C-T.
Other names: short protein forms R325*.
Identifiers: ClinVar variation 374301 (VCV000374301.17), dbSNP rs1057518683, ClinGen allele CA16043687.